The following is an entry in ClinVar:

ClinVar aggregate classification (germline): Uncertain significance (1 of 4 stars; one submission).

Conditions:
Cohen syndrome (COH1). Also called: PEPPER SYNDROME; Cutis verticis gyrata, retinitis pigmentosa, and sensorineural deafness. Identifiers: Orphanet 193, MedGen C0265223, MONDO:0008999, OMIM 216550.

Submission:

Labcorp Genetics (formerly Invitae), Labcorp
Classification: Uncertain significance for Cohen syndrome. Last evaluated: 2024-09-03. Review status: criteria provided, single submitter. Criteria: Invitae Variant Classification Sherloc (09022015). Collection method: clinical testing. Allele origin: germline.
Comment: This sequence change replaces serine, which is neutral and polar, with proline, which is neutral and non-polar, at codon 3558 of the VPS13B protein (p.Ser3558Pro). This variant is not present in population databases (gnomAD no frequency). This variant has not been reported in the literature in individuals affected with VPS13B-related conditions. Invitae Evidence Modeling of protein sequence and biophysical properties (such as structural, functional, and spatial information, amino acid conservation, physicochemical variation, residue mobility, and thermodynamic stability) indicates that this missense variant is not expected to disrupt VPS13B protein function with a negative predictive value of 80%. In summary, the available evidence is currently insufficient to determine the role of this variant in disease. Therefore, it has been classified as a Variant of Uncertain Significance.

NM_152564.5(VPS13B):c.10597T>C (p.Ser3533Pro)

Gene: VPS13B (vacuolar protein sorting 13 homolog B; plus strand). Cytogenetic location: 8q22.2.
Variant type: single nucleotide variant.
Coding change: c.10597T>C on transcript NM_152564.5 (MANE Select); coding-DNA position 10597, T replaced by C.
Protein change: p.Ser3533Pro; replaces serine 3533 with proline.
Molecular consequence: missense variant.
Genome position (GRCh38, 1-based): chr8:99,853,986, T>C. VCF-style: chr8-99853986-T-C. GRCh37 (hg19) VCF-style: chr8-100866214-T-C.
Other names: c.10672T>C, p.Ser3558Pro (NM_017890.5); short protein forms S3533P, S3558P.
Identifiers: ClinVar variation 3664365 (VCV003664365.2).
Genomic context (GRCh38, chr8:99,853,986, plus strand): 5'-GTATACTACATCAAGACTTTGTTTGACACCTACCTTCCTAACAGCAGGTTGGCTGGTCAC[T>C]CCACACACCTCTCCGGGGGTAAACAGGTGTTGCCCATGCAGGTCACACAGCACGCCAGGG-3'
Protein context (NP_689777.3, residues 3523-3543): YLPNSRLAGH[Ser3533Pro]THLSGGKQVL